The following is an entry in ClinVar:

NM_133372.3(FNIP1):c.350A>G (p.Tyr117Cys)

Gene: FNIP1 (folliculin interacting protein 1; minus strand). Cytogenetic location: 5q31.1.
Variant type: single nucleotide variant.
Coding change: c.350A>G on transcript NM_133372.3 (MANE Select); coding-DNA position 350, A replaced by G.
Protein change: p.Tyr117Cys; replaces tyrosine 117 with cysteine.
Molecular consequence: missense variant. On other transcripts: intron variant (1).
Genome position (GRCh38, 1-based): chr5:131,730,908, T>C on the plus strand (A>G on the coding strand, the complement: FNIP1 is on the minus strand). VCF-style: chr5-131730908-T-C. GRCh37 (hg19) VCF-style: chr5-131066601-T-C.
Other names: c.350A>G, p.Tyr117Cys (NM_001008738.3, NM_001346113.2); c.220-11491A>G (NM_001346114.2); short protein forms Y117C.
Identifiers: ClinVar variation 2001207 (VCV002001207.1), dbSNP rs1037947428, ClinGen allele CA127834635.

ClinVar aggregate classification (germline): Uncertain significance (1 of 4 stars; one submission).

Allele frequency attached by ClinVar (database versions not stated): TOPMed below 0.00001; gnomAD 0.00001.

Submission:

Labcorp Genetics (formerly Invitae), Labcorp
Classification: Uncertain significance. Last evaluated: 2022-07-03. Review status: criteria provided, single submitter. Criteria: Invitae Variant Classification Sherloc (09022015). Collection method: clinical testing. Allele origin: germline.
Comment: This sequence change replaces tyrosine, which is neutral and polar, with cysteine, which is neutral and slightly polar, at codon 117 of the FNIP1 protein (p.Tyr117Cys). This variant is present in population databases (no rsID available, gnomAD 0.0009%). This variant has not been reported in the literature in individuals affected with FNIP1-related conditions. Algorithms developed to predict the effect of missense changes on protein structure and function are either unavailable or do not agree on the potential impact of this missense change (SIFT: "Deleterious"; PolyPhen-2: "Probably Damaging"; Align-GVGD: "Class C0"). In summary, the available evidence is currently insufficient to determine the role of this variant in disease. Therefore, it has been classified as a Variant of Uncertain Significance.